The following is an entry in ClinVar:

ClinVar aggregate classification (germline): Benign/Likely benign. Review status: criteria provided, multiple submitters, no conflicts (2 of 4 stars). 6 submissions from 6 submitters: Benign (4); Likely benign (2). Last evaluated 2026-01-25.

Conditions:
Spinocerebellar ataxia type 35. Identifiers: Orphanet 276193, MedGen C3888031, MONDO:0013485, OMIM 613908.

Allele frequency attached by ClinVar (database versions not stated): gnomAD exomes 0.00069 and 0.00185; ExAC 0.00224; gnomAD 0.00672 and 0.00706; ESP Exome Variant Server 0.00738; TOPMed 0.00765; 1000 Genomes Project 0.01138; 1000 Genomes Project 30x 0.01296.

Submissions (6):

Labcorp Genetics (formerly Invitae), Labcorp
Classification: Benign. Last evaluated: 2026-01-25. Review status: criteria provided, single submitter. Criteria: Invitae Variant Classification Sherloc (09022015). Collection method: clinical testing. Allele origin: germline.

Mayo Clinic Laboratories, Mayo Clinic
Classification: Benign. Last evaluated: 2024-02-02. Review status: criteria provided, single submitter. Criteria: ACMG Guidelines, 2015. Collection method: clinical testing. Allele origin: germline. Observed: 6 variant alleles.
Comment: BS1, BS2, PP3

Athena Diagnostics
Classification: Benign. Last evaluated: 2024-01-10. Review status: criteria provided, single submitter. Criteria: Athena Diagnostics Criteria. Collection method: clinical testing. Allele origin: unknown.

GeneDx
Classification: Likely benign. Last evaluated: 2021-05-05. Review status: criteria provided, single submitter. Criteria: GeneDx Variant Classification Process June 2021. Collection method: clinical testing. Allele origin: germline. Affected: yes.
Comment: See Variant Classification Assertion Criteria.

Illumina Laboratory Services, Illumina
Classification: Benign for Spinocerebellar ataxia type 35. Last evaluated: 2018-01-13. Review status: criteria provided, single submitter. Criteria: ICSL Variant Classification Criteria 13 December 2019. Collection method: clinical testing. Allele origin: germline.
Comment: This variant was observed in the ICSL laboratory as part of a predisposition screen in an ostensibly healthy population. It had not been previously curated by ICSL or reported in the Human Gene Mutation Database (HGMD: prior to June 1st, 2018), and was therefore a candidate for classification through an automated scoring system. Utilizing variant allele frequency, disease prevalence and penetrance estimates, and inheritance mode, an automated score was calculated to assess if this variant is too frequent to cause the disease. Based on the score and internal cut-off values, a variant classified as benign is not then subjected to further curation. The score for this variant resulted in a classification of benign for this disease.

Breakthrough Genomics
Classification: Likely benign. Review status: criteria provided, single submitter. Criteria: ACMG Guidelines, 2015. Collection method: not provided. Allele origin: germline. Inheritance: Autosomal dominant inheritance. Affected: yes.

Literature cited by the submitters: PubMed 33432171 (cited by Athena Diagnostics); PubMed 29590070 (cited by Athena Diagnostics).

NM_198994.3(TGM6):c.1126G>A (p.Ala376Thr)

Gene: TGM6 (transglutaminase 6; plus strand). Cytogenetic location: 20p13.
Variant type: single nucleotide variant.
Coding change: c.1126G>A on transcript NM_198994.3 (MANE Select); coding-DNA position 1126, G replaced by A.
Protein change: p.Ala376Thr; replaces alanine 376 with threonine.
Molecular consequence: missense variant.
Genome position (GRCh38, 1-based): chr20:2,403,613, G>A. VCF-style: chr20-2403613-G-A. GRCh37 (hg19) VCF-style: chr20-2384259-G-A.
Other names: p.Ala376Thr; c.1126G>A, p.Ala376Thr (NM_001254734.2); short protein forms A376T.
Identifiers: ClinVar variation 337922 (VCV000337922.18), dbSNP rs79724097, ClinGen allele CA9731984.
Genomic context (GRCh38, chr20:2,403,613, plus strand): 5'-GCTGCTCATGCCCACCCCTCCTGCCCAGGTGTGTTCCGGTGCGGCCCAGCCTCAGTCACC[G>A]CCATCCGCGAGGGTGATGTGCACCTGGCTCACGATGGCCCCTTCGTGTTTGCGGAGGTCA-3'
Protein context (NP_945345.2, residues 366-386): VFRCGPASVT[Ala376Thr]IREGDVHLAH